The following is an entry in ClinVar:

ClinVar aggregate classification (germline): Conflicting classifications of pathogenicity. Review status: criteria provided, conflicting classifications (1 of 4 stars). 2 submissions from 2 submitters: Likely pathogenic (1); Uncertain significance (1). Last evaluated 2024-04-28.

Conditions:
Multiple acyl-CoA dehydrogenase deficiency (MADD). Also called: ETHYLMALONIC-ADIPICACIDURIA; GA II; Glutaric aciduria, type 2; Glutaric acidemia type II; GA 2; Glutaric Acidemia type 2. Identifiers: Orphanet 26791, MedGen C0268596, MONDO:0009282, OMIM 231680.

gnomAD v4.1: 3 of 1,607,836 alleles (0.00019%); highest among the groups gnomAD compares: South Asian, 0.0033%; no homozygotes.

Submissions (2):

Fulgent Genetics
Classification: Likely pathogenic for Multiple acyl-CoA dehydrogenase deficiency. Last evaluated: 2024-04-28. Review status: criteria provided, single submitter. Criteria: ACMG Guidelines, 2015. Collection method: clinical testing. Allele origin: germline.

Women's Health and Genetics/Laboratory Corporation of America, LabCorp
Classification: Uncertain significance. Last evaluated: 2024-04-22. Review status: criteria provided, single submitter. Criteria: LabCorp Variant Classification Summary - May 2015. Collection method: clinical testing. Allele origin: germline.
Comment: Variant summary: ETFDH c.578A>C (p.Glu193Ala) results in a non-conservative amino acid change in the encoded protein sequence. Five of five in-silico tools predict a damaging effect of the variant on protein function. The variant was absent in 251458 control chromosomes. c.578A>C has been reported in the literature in individuals affected with Glutaric Aciduria, Type 2c (McCreary_2019). These data indicate that the variant may be associated with disease. To our knowledge, no experimental evidence demonstrating an impact on protein function has been reported. The following publication have been ascertained in the context of this evaluation (PMID: 31664448). No submitters have cited clinical-significance assessments for this variant to ClinVar. Based on the evidence outlined above, the variant was classified as VUS-possibly pathogenic.

Literature cited by the submitters: PubMed 31664448 (cited by Women's Health and Genetics/Laboratory Corporation of America, LabCorp).

NM_004453.4(ETFDH):c.578A>C (p.Glu193Ala)

Gene: ETFDH (electron transfer flavoprotein dehydrogenase; plus strand). Cytogenetic location: 4q32.1.
Variant type: single nucleotide variant.
Coding change: c.578A>C on transcript NM_004453.4 (MANE Select); coding-DNA position 578, A replaced by C.
Protein change: p.Glu193Ala; replaces glutamic acid 193 with alanine.
Molecular consequence: missense variant.
Genome position (GRCh38, 1-based): chr4:158,685,191, A>C. VCF-style: chr4-158685191-A-C. GRCh37 (hg19) VCF-style: chr4-159606343-A-C.
Other names: c.437A>C, p.Glu146Ala (NM_001281737.2); c.395A>C, p.Glu132Ala (NM_001281738.1); short protein forms E132A, E146A, E193A.
Identifiers: ClinVar variation 3251817 (VCV003251817.2), dbSNP rs1287661192.